The following is an entry in ClinVar:

NM_000070.3(CAPN3):c.664G>C (p.Gly222Arg)

Gene: CAPN3 (calpain 3; plus strand). Cytogenetic location: 15q15.1.
Variant type: single nucleotide variant.
Coding change: c.664G>C on transcript NM_000070.3 (MANE Select); coding-DNA position 664, G replaced by C.
Protein change: p.Gly222Arg; replaces glycine 222 with arginine.
Molecular consequence: missense variant.
Genome position (GRCh38, 1-based): chr15:42,388,959, G>C. VCF-style: chr15-42388959-G-C. GRCh37 (hg19) VCF-style: chr15-42681157-G-C.
Other names: c.664G>C, p.Gly222Arg (NM_024344.2, NM_173087.2); c.403G>C, p.Gly135Arg (NM_212464.2); c.*357G>C (NM_212467.2); short protein forms G135R, G222R.
Identifiers: ClinVar variation 2996643 (VCV002996643.3), dbSNP rs1345121557, ClinGen allele CA391998106.

ClinVar aggregate classification (germline): Pathogenic (1 of 4 stars; one submission).

Conditions:
Autosomal recessive limb-girdle muscular dystrophy type 2A (LGMDR1). Also called: LEYDEN-MOEBIUS MUSCULAR DYSTROPHY; MUSCULAR DYSTROPHY, PELVOFEMORAL; Limb-girdle muscular dystrophy, type 2A; Calpainopathy; Muscular dystrophy, limb-girdle, type 2A, Amish. Identifiers: Orphanet 267, MedGen C1869123, MONDO:0009675, OMIM 253600. Disease mechanism: loss of function.

gnomAD v4.1: 2 of 1,614,080 alleles (0.00012%); highest among the groups gnomAD compares: Non-Finnish European, 0.00017%; no homozygotes.

Submission:

Labcorp Genetics (formerly Invitae), Labcorp
Classification: Pathogenic for Autosomal recessive limb-girdle muscular dystrophy type 2A. Last evaluated: 2023-01-31. Review status: criteria provided, single submitter. Criteria: Invitae Variant Classification Sherloc (09022015). Collection method: clinical testing. Allele origin: germline.
Comment: This sequence change replaces glycine, which is neutral and non-polar, with arginine, which is basic and polar, at codon 222 of the CAPN3 protein (p.Gly222Arg). For these reasons, this variant has been classified as Pathogenic. Advanced modeling of protein sequence and biophysical properties (such as structural, functional, and spatial information, amino acid conservation, physicochemical variation, residue mobility, and thermodynamic stability) performed at Invitae indicates that this missense variant is expected to disrupt CAPN3 protein function. A different variant (c.664G>A) giving rise to the same protein effect has been determined to be pathogenic (PMID: 9762961, 16542520, 22006685). This suggests that this variant is also likely to be causative of disease. This variant is not present in population databases (gnomAD no frequency).

Literature cited by the submitters: PubMed 9762961; PubMed 16542520; PubMed 22006685.